The following is an entry in ClinVar:

NM_001378615.1(CC2D2A):c.2452C>A (p.Pro818Thr)

Genes: CC2D2A (coiled-coil and C2 domain containing 2A; plus strand), FBXL5 (F-box and leucine rich repeat protein 5; minus strand). Cytogenetic location: 4p15.32.
Variant type: single nucleotide variant.
Coding change: c.2452C>A on transcript NM_001378615.1 (MANE Select); coding-DNA position 2452, C replaced by A.
Protein change: p.Pro818Thr; replaces proline 818 with threonine.
Molecular consequence: missense variant.
Genome position (GRCh38, 1-based): chr4:15,553,271, C>A. VCF-style: chr4-15553271-C-A. GRCh37 (hg19) VCF-style: chr4-15554894-C-A.
Other names: c.2452C>A, p.Pro818Thr (NM_001080522.2); c.2305C>A, p.Pro769Thr (NM_001378617.1); short protein forms P769T, P818T.
Identifiers: ClinVar variation 951157 (VCV000951157.9), dbSNP rs1719099728, ClinGen allele CA356419516.

ClinVar aggregate classification (germline): Uncertain significance (1 of 4 stars; one submission).

Conditions:
Meckel-Gruber syndrome. Also called: Dysencephalia splachnocystica; DYSENCEPHALIA SPLANCHNOCYSTICA; GRUBER SYNDROME. Identifiers: Orphanet 564, MedGen C0265215, MONDO:0018921.
Joubert syndrome. Also called: Familial aplasia of the vermis; JOUBERT-BOLTSHAUSER SYNDROME. Identifiers: Orphanet 475, MedGen C5979921, MONDO:0018772.

Submission:

Labcorp Genetics (formerly Invitae), Labcorp
Classification: Uncertain significance for Joubert syndrome; Meckel-Gruber syndrome. Last evaluated: 2019-03-29. Review status: criteria provided, single submitter. Criteria: Invitae Variant Classification Sherloc (09022015). Collection method: clinical testing. Allele origin: germline.
Comment: This variant has not been reported in the literature in individuals with CC2D2A-related conditions. In summary, the available evidence is currently insufficient to determine the role of this variant in disease. Therefore, it has been classified as a Variant of Uncertain Significance. Algorithms developed to predict the effect of missense changes on protein structure and function are either unavailable or do not agree on the potential impact of this missense change (SIFT: "Deleterious"; PolyPhen-2: "Probably Damaging"; Align-GVGD: "Class C0"). This variant is not present in population databases (ExAC no frequency). This sequence change replaces proline with threonine at codon 818 of the CC2D2A protein (p.Pro818Thr). The proline residue is moderately conserved and there is a small physicochemical difference between proline and threonine.